The following is an entry in ClinVar:

NM_152564.5(VPS13B):c.6010A>G (p.Ile2004Val)

Gene: VPS13B (vacuolar protein sorting 13 homolog B; plus strand). Cytogenetic location: 8q22.2.
Variant type: single nucleotide variant.
Coding change: c.6010A>G on transcript NM_152564.5 (MANE Select); coding-DNA position 6010, A replaced by G.
Protein change: p.Ile2004Val; replaces isoleucine 2004 with valine.
Molecular consequence: missense variant.
Genome position (GRCh38, 1-based): chr8:99,661,455, A>G. VCF-style: chr8-99661455-A-G. GRCh37 (hg19) VCF-style: chr8-100673683-A-G.
Other names: c.6085A>G, p.Ile2029Val (NM_017890.5); short protein forms I2004V, I2029V.
Identifiers: ClinVar variation 3188782 (VCV003188782.2), dbSNP rs752589749, ClinGen allele CA4823909.

ClinVar aggregate classification (germline): Likely benign. Review status: criteria provided, single submitter (1 of 4 stars). 2 submissions from 2 submitters: Likely benign (1). 1 of the submissions does not count toward it. Last evaluated 2024-01-03.

Conditions:
Inborn genetic diseases. Identifiers: MedGen C0950123, MeSH D030342.
VPS13B-related disorder. Also called: VPS13B-related condition.

Allele frequency attached by ClinVar (database versions not stated): ExAC 0.00001.
gnomAD v4.1: 7 of 1,613,554 alleles (0.00043%); highest among the groups gnomAD compares: South Asian, 0.0044%; no homozygotes.

Submissions (2):

Ambry Genetics
Classification: Likely benign for Inborn genetic diseases. Last evaluated: 2024-01-03. Review status: criteria provided, single submitter. Criteria: Ambry Variant Classification Scheme 2023. Collection method: clinical testing. Allele origin: germline.

PreventionGenetics, part of Exact Sciences
Classification: Uncertain significance for VPS13B-related condition. Last evaluated: 2024-05-10. Review status: no assertion criteria provided. Collection method: clinical testing. Allele origin: germline. Not counted in ClinVar's aggregate classification.
Comment: The VPS13B c.6010A>G variant is predicted to result in the amino acid substitution p.Ile2004Val. To our knowledge, this variant has not been reported in the literature. This variant is reported in 0.0033% of alleles in individuals of South Asian descent in gnomAD. At this time, the clinical significance of this variant is uncertain due to the absence of conclusive functional and genetic evidence.